The following is an entry in ClinVar:

ClinVar aggregate classification (germline): Uncertain significance (1 of 4 stars; one submission).

Conditions:
Joubert syndrome. Also called: CEREBELLOPARENCHYMAL DISORDER IV; JOUBERT-BOLTSHAUSER SYNDROME; Familial aplasia of the vermis. Identifiers: Orphanet 475, MedGen C5979921, MONDO:0018772.
Meckel-Gruber syndrome. Also called: DYSENCEPHALIA SPLANCHNOCYSTICA; GRUBER SYNDROME; Dysencephalia splachnocystica. Identifiers: Orphanet 564, MedGen C0265215, MONDO:0018921.

Submission:

Labcorp Genetics (formerly Invitae), Labcorp
Classification: Uncertain significance for Joubert syndrome; Meckel-Gruber syndrome. Last evaluated: 2021-08-25. Review status: criteria provided, single submitter. Criteria: Invitae Variant Classification Sherloc (09022015). Collection method: clinical testing. Allele origin: germline.
Comment: In summary, the available evidence is currently insufficient to determine the role of this variant in disease. Therefore, it has been classified as a Variant of Uncertain Significance. Advanced modeling of protein sequence and biophysical properties (such as structural, functional, and spatial information, amino acid conservation, physicochemical variation, residue mobility, and thermodynamic stability) performed at Invitae indicates that this missense variant is expected to disrupt MKS1 protein function. This variant has not been reported in the literature in individuals affected with MKS1-related conditions. This variant is not present in population databases (ExAC no frequency). This sequence change replaces glycine with aspartic acid at codon 452 of the MKS1 protein (p.Gly452Asp). The glycine residue is highly conserved and there is a moderate physicochemical difference between glycine and aspartic acid.

NM_017777.4(MKS1):c.1355G>A (p.Gly452Asp)

Gene: MKS1 (MKS transition zone complex subunit 1; minus strand). Cytogenetic location: 17q22.
Variant type: single nucleotide variant.
Coding change: c.1355G>A on transcript NM_017777.4 (MANE Select); coding-DNA position 1355, G replaced by A.
Protein change: p.Gly452Asp; replaces glycine 452 with aspartic acid.
Molecular consequence: missense variant. On other transcripts: intron variant (1).
Genome position (GRCh38, 1-based): chr17:58,207,137, C>T on the plus strand (G>A on the coding strand, the complement: MKS1 is on the minus strand). VCF-style: chr17-58207137-C-T. GRCh37 (hg19) VCF-style: chr17-56284498-C-T.
Other names: c.746G>A, p.Gly249Asp (NM_001321268.2); c.1355G>A, p.Gly452Asp (NM_001321269.2); c.1273+757G>A (NM_001330397.2); short protein forms G249D, G452D.
Identifiers: ClinVar variation 1424049 (VCV001424049.6), dbSNP rs2143743650, ClinGen allele CA400324901.
Genomic context (GRCh38, chr17:58,207,137, plus strand): 5'-AAAGTCACCTTGAAGGATCCTGGTATCCGTACATAGGAGAGGTCCTCCAGTTCCAGAGAA[C>T]CGCCAATGAAAAACCTCCTCAGCTCAGCCACCGTGCCAAGCTCCACAGGTCTCCACGTGG-3'
Protein context (NP_060247.2, residues 442-462): VAELRRFFIG[Gly452Asp]SLELEDLSYV